The following is an entry in ClinVar:

ClinVar aggregate classification (germline): Uncertain significance (1 of 4 stars; one submission).

Conditions:
Andersen Tawil syndrome (LQT7). Also called: Potassium-sensitive periodic paralysis, ventricular ectopy, and dysmorphic features; Andersen Syndrome; ANDERSEN CARDIODYSRHYTHMIC PERIODIC PARALYSIS; LONG QT SYNDROME 7; PERIODIC PARALYSIS, POTASSIUM-SENSITIVE CARDIODYSRHYTHMIC TYPE. Identifiers: Orphanet 37553, MedGen C1563715, MONDO:0008222, OMIM 170390.
Short QT syndrome type 3. Identifiers: Orphanet 51083, MedGen C1865018, MONDO:0012314, OMIM 609622.

Submission:

Labcorp Genetics (formerly Invitae), Labcorp
Classification: Uncertain significance for Short QT syndrome type 3; Andersen Tawil syndrome. Last evaluated: 2022-02-08. Review status: criteria provided, single submitter. Criteria: Invitae Variant Classification Sherloc (09022015). Collection method: clinical testing. Allele origin: germline.
Comment: This sequence change replaces leucine, which is neutral and non-polar, with phenylalanine, which is neutral and non-polar, at codon 69 of the KCNJ2 protein (p.Leu69Phe). This variant is not present in population databases (gnomAD no frequency). This variant has not been reported in the literature in individuals affected with KCNJ2-related conditions. Algorithms developed to predict the effect of missense changes on protein structure and function are either unavailable or do not agree on the potential impact of this missense change (SIFT: "Tolerated"; PolyPhen-2: "Probably Damaging"; Align-GVGD: "Class C0"). In summary, the available evidence is currently insufficient to determine the role of this variant in disease. Therefore, it has been classified as a Variant of Uncertain Significance.

NM_000891.3(KCNJ2):c.205C>T (p.Leu69Phe)

Gene: KCNJ2 (potassium inwardly rectifying channel subfamily J member 2; plus strand). Cytogenetic location: 17q24.3.
Variant type: single nucleotide variant.
Coding change: c.205C>T on transcript NM_000891.3 (MANE Select); coding-DNA position 205, C replaced by T.
Protein change: p.Leu69Phe; replaces leucine 69 with phenylalanine.
Molecular consequence: missense variant.
Genome position (GRCh38, 1-based): chr17:70,175,244, C>T. VCF-style: chr17-70175244-C-T. GRCh37 (hg19) VCF-style: chr17-68171385-C-T.
Other names: short protein forms L69F.
Identifiers: ClinVar variation 2089154 (VCV002089154.4), dbSNP rs2509920894, ClinGen allele CA400860104.